The following is an entry in ClinVar:

NM_001256317.3(TMPRSS3):c.1119C>A (p.Asp373Glu)

Gene: TMPRSS3 (transmembrane serine protease 3; minus strand). Cytogenetic location: 21q22.3.
Variant type: single nucleotide variant.
Coding change: c.1119C>A on transcript NM_001256317.3 (MANE Select); coding-DNA position 1119, C replaced by A.
Protein change: p.Asp373Glu; replaces aspartic acid 373 with glutamic acid.
Molecular consequence: missense variant.
Genome position (GRCh38, 1-based): chr21:42,376,613, G>T on the plus strand (C>A on the coding strand, the complement: TMPRSS3 is on the minus strand). VCF-style: chr21-42376613-G-T. GRCh37 (hg19) VCF-style: chr21-43796722-G-T.
Other names: c.1122C>A, p.Asp374Glu (NM_024022.4); c.741C>A, p.Asp247Glu (NM_032404.3); short protein forms D247E, D373E, D374E.
Identifiers: ClinVar variation 3764211 (VCV003764211.1).
Genomic context (GRCh38, chr21:42,376,613, plus strand): 5'-CACGCCACCCGTCAGGTAGCCCGCGCAGAGCATGGAGGGGGAGATGATGCCACCGTACAC[G>T]TCCCTGTGGTTGCAGATCTTGTTGGAAATCAAAGGGACGGCCGCGTGGTTCAGGACAGGG-3'
Protein context (NP_001243246.1, residues 363-383): LISNKICNHR[Asp373Glu]VYGGIISPSM

ClinVar aggregate classification (germline): Uncertain significance (1 of 4 stars; one submission).

Submission:

GeneDx
Classification: Uncertain significance. Last evaluated: 2024-08-22. Review status: criteria provided, single submitter. Criteria: GeneDx Variant Classification Process June 2021. Collection method: clinical testing. Allele origin: germline. Affected: yes.
Comment: Not observed at significant frequency in large population cohorts (gnomAD); In silico analysis indicates that this missense variant does not alter protein structure/function; Has not been previously published as pathogenic or benign to our knowledge